The following is an entry in ClinVar:

NM_021625.5(TRPV4):c.1491+10C>G

Gene: TRPV4 (transient receptor potential cation channel subfamily V member 4; minus strand). Cytogenetic location: 12q24.11.
Variant type: single nucleotide variant.
Coding change: c.1491+10C>G on transcript NM_021625.5 (MANE Select); 10 bases into the intron after coding-DNA position 1491, C replaced by G.
Molecular consequence: intron variant.
Genome position (GRCh38, 1-based): chr12:109,794,319, G>C on the plus strand (C>G on the coding strand, the complement: TRPV4 is on the minus strand). VCF-style: chr12-109794319-G-C. GRCh37 (hg19) VCF-style: chr12-110232124-G-C.
Other names: c.1170+10C>G (NM_001177433.1); c.1350+10C>G (NM_001177428.1); c.1311+10C>G (NM_147204.2); c.1389+10C>G (NM_001177431.1).
Identifiers: ClinVar variation 1158335 (VCV001158335.10), dbSNP rs201815805, ClinGen allele CA6780226.

ClinVar aggregate classification (germline): Conflicting classifications of pathogenicity. Review status: criteria provided, conflicting classifications (1 of 4 stars). 2 submissions from 2 submitters: Uncertain significance (1); Likely benign (1). Last evaluated 2025-07-18.

Conditions:
Charcot-Marie-Tooth disease axonal type 2C (HMSN2C). Also called: Charcot-Marie-Tooth Disease Type 2, TRPV4-Related (CMT2C); CHARCOT-MARIE-TOOTH DISEASE, AXONAL, AUTOSOMAL DOMINANT, TYPE 2C; Charcot-Marie-Tooth Neuropathy Type 2C. Identifiers: Orphanet 99937, MedGen C1853710, MONDO:0011633, OMIM 606071.

gnomAD v4.1: 12 of 1,610,838 alleles (0.00074%); highest among the groups gnomAD compares: Admixed American, 0.0033%; no homozygotes.

Submissions (2):

Dasa
Classification: Uncertain significance. Last evaluated: 2025-07-18. Review status: criteria provided, single submitter. Criteria: DASA Assertion Criteria. Collection method: clinical testing. Allele origin: germline.
Comment: NM_021625.5(TRPV4):c.1491+10C>G is a splice-region variant. This variant is rare in population databases. Computational prediction algorithms are consistent with a benign effect. The currently available literature and clinical evidence are not sufficient to establish a definitive association between this variant and the reported condition. Therefore, this variant is classified as a variant of uncertain significance.

Labcorp Genetics (formerly Invitae), Labcorp
Classification: Likely benign for Charcot-Marie-Tooth disease axonal type 2C. Last evaluated: 2024-05-03. Review status: criteria provided, single submitter. Criteria: Invitae Variant Classification Sherloc (09022015). Collection method: clinical testing. Allele origin: germline.